The following is an entry in ClinVar:

NM_000179.3(MSH6):c.1354A>C (p.Met452Leu)

Gene: MSH6 (mutS homolog 6; plus strand). Cytogenetic location: 2p16.3.
Variant type: single nucleotide variant.
Coding change: c.1354A>C on transcript NM_000179.3 (MANE Select); coding-DNA position 1354, A replaced by C.
Protein change: p.Met452Leu; replaces methionine 452 with leucine.
Molecular consequence: missense variant.
Genome position (GRCh38, 1-based): chr2:47,799,337, A>C. VCF-style: chr2-47799337-A-C. GRCh37 (hg19) VCF-style: chr2-48026476-A-C.
Other names: c.964A>C, p.Met322Leu (NM_001281492.2); c.448A>C, p.Met150Leu (NM_001281493.2, NM_001281494.2); short protein forms M452L, M150L, M322L.
Identifiers: ClinVar variation 231460 (VCV000231460.15), dbSNP rs780734507, ClinGen allele CA10578067.
Genomic context (GRCh38, chr2:47,799,337, plus strand): 5'-TTTTATGAGCTGTACCACATGGATGCTCTTATTGGAGTCAGTGAACTGGGGCTGGTATTC[A>C]TGAAAGGCAACTGGGCCCATTCTGGCTTTCCTGAAATTGCATTTGGCCGTTATTCAGATT-3'
Protein context (NP_000170.1, residues 442-462): IGVSELGLVF[Met452Leu]KGNWAHSGFP

ClinVar aggregate classification (germline): Uncertain significance. Review status: criteria provided, multiple submitters, no conflicts (2 of 4 stars). 2 submissions from 2 submitters: Uncertain significance (2). Last evaluated 2023-11-29.

Conditions:
Hereditary nonpolyposis colorectal neoplasms. Identifiers: MedGen C0009405, MeSH D003123.
Hereditary cancer-predisposing syndrome. Also called: Neoplastic Syndromes, Hereditary; Tumor predisposition; Hereditary Cancer Syndrome; Hereditary neoplastic syndrome. Identifiers: Orphanet 140162, MedGen C0027672, MeSH D009386, MONDO:0015356.

Submissions (2):

Labcorp Genetics (formerly Invitae), Labcorp
Classification: Uncertain significance for Hereditary nonpolyposis colorectal neoplasms. Last evaluated: 2023-11-29. Review status: criteria provided, single submitter. Criteria: Invitae Variant Classification Sherloc (09022015). Collection method: clinical testing. Allele origin: germline.
Comment: This sequence change replaces methionine, which is neutral and non-polar, with leucine, which is neutral and non-polar, at codon 452 of the MSH6 protein (p.Met452Leu). This variant is not present in population databases (gnomAD no frequency). This variant has not been reported in the literature in individuals affected with MSH6-related conditions. ClinVar contains an entry for this variant (Variation ID: 231460). Advanced modeling of protein sequence and biophysical properties (such as structural, functional, and spatial information, amino acid conservation, physicochemical variation, residue mobility, and thermodynamic stability) performed at Invitae indicates that this missense variant is not expected to disrupt MSH6 protein function with a negative predictive value of 95%. In summary, the available evidence is currently insufficient to determine the role of this variant in disease. Therefore, it has been classified as a Variant of Uncertain Significance.

Ambry Genetics
Classification: Uncertain significance for Hereditary cancer-predisposing syndrome. Last evaluated: 2015-04-20. Review status: criteria provided, single submitter. Criteria: Ambry Variant Classification Scheme 2023. Collection method: clinical testing. Allele origin: germline.
Comment: The p.M452L variant (also known as c.1354A>C), located in coding exon 4 of the MSH6 gene, results from an A to C substitution at nucleotide position 1354. The methionine at codon 452 is replaced by leucine, an amino acid with highly similar properties. This variant was not reported in population based cohorts in the following databases: Database of Single Nucleotide Polymorphisms (dbSNP), NHLBI Exome Sequencing Project (ESP), and 1000 Genomes Project. In the ESP, this variant was not observed in 6503 samples (13006 alleles) with coverage at this position. To date, this alteration has been detected with an allele frequency of approximately 0.002% (greater than 65000 alleles tested) in our clinical cohort. This amino acid position is highly conserved in available vertebrate species. This alteration is predicted to be probably damaging and deleterious by PolyPhen and SIFT in silico analyses, respectively. In addition, the CoDP in silico tool predicts this alteration to likely impair molecular function, with a score of 0.740 (Terui H et al. J. Biomed. Sci. 2013;20:25). Since supporting evidence is limited at this time, the clinical significance of p.M452L remains unclear.